The following is an entry in ClinVar:

ClinVar aggregate classification (germline): Likely pathogenic (1 of 4 stars; one submission).

Conditions:
Dilated cardiomyopathy 1G (CMD1G). Identifiers: Orphanet 154, MedGen C1858763, MONDO:0011400, OMIM 604145.

Submission:

Illumina Laboratory Services, Illumina
Classification: Likely pathogenic for Dilated cardiomyopathy 1G. Last evaluated: 2023-07-21. Review status: criteria provided, single submitter. Criteria: ICSLVariantClassificationCriteria RUGD 01 April 2020. Collection method: clinical testing. Allele origin: unknown.
Comment: The TTN c.87077del (p.Pro29026ArgfsTer14) variant causes a shift in the protein reading frame that is predicted to result in premature termination of the protein. Loss of normal protein function through either protein truncation or nonsense-mediated mRNA decay is expected. This variant is located in exon 327 of the meta transcript of titin within the A-band, which is highly expressed in cardiac tissue (PMID: 25589632). In a meta-analysis of TTN truncating variants in dilated cardiomyopathy patients and controls, variants in this region were associated with a significantly increased risk of developing dilated cardiomyopathy (odds ratio 49.8) (PMID: 27869827). This variant is not observed at a significant frequency in version 2.1.1 or version 3.1.2 of the Genome Aggregation Database. Based on the available evidence, the c.87077del (p.Pro29026ArgfsTer14) variant is classified as likely pathogenic for dilated cardiomyopathy.

Literature cited by the submitters: PubMed 25589632; PubMed 27869827.

NM_001267550.2(TTN):c.87077del (p.Pro29026fs)

Genes: TTN-AS1 (TTN antisense RNA 1; plus strand), TTN (titin; minus strand). Cytogenetic location: 2q31.2.
Variant type: Deletion.
Coding change: c.87077del on transcript NM_001267550.2 (MANE Select); coding-DNA position 87077, one base deleted (C; older notation c.87077delC).
Protein change: p.Pro29026fs; shifts the reading frame from proline 29026.
Molecular consequence: frameshift variant.
Genome position (GRCh38, 1-based): chr2:178,558,382, G deleted on the plus strand (C on the coding strand, the reverse complement: TTN is on the minus strand); the first of 3 consecutive G bases (chr2:178,558,382-178,558,384); deleting any one gives the same sequence. VCF-style (leftmost placement, unchanged base first): chr2-178558381-CG-C. GRCh37 (hg19) VCF-style: chr2-179423108-CG-C.
Other names: c.82154del, p.Pro27385fs (NM_001256850.1); c.59882del, p.Pro19961fs (NM_003319.4); c.79373del, p.Pro26458fs (NM_133378.4); c.60257del, p.Pro20086fs (NM_133432.3); c.60458del, p.Pro20153fs (NM_133437.4); short protein forms P19961fs, P20086fs, P20153fs, P26458fs, P27385fs, P29026fs.
Identifiers: ClinVar variation 2627911 (VCV002627911.1), dbSNP rs2469569400, ClinGen allele CA2586963959.